The following is an entry in ClinVar:

NM_024101.7(MLPH):c.522G>A (p.Glu174=)

Gene: MLPH (melanophilin; plus strand). Cytogenetic location: 2q37.3.
Variant type: single nucleotide variant.
Coding change: c.522G>A on transcript NM_024101.7 (MANE Select); coding-DNA position 522, G replaced by A.
Protein change: p.Glu174=; no amino-acid change (glutamic acid 174 retained).
Molecular consequence: synonymous variant. On other transcripts: non-coding transcript variant (1).
Genome position (GRCh38, 1-based): chr2:237,518,615, G>A. VCF-style: chr2-237518615-G-A. GRCh37 (hg19) VCF-style: chr2-238427258-G-A.
Other names: c.522G>A, p.Glu174= (NM_001042467.3, NM_001281473.2, NM_001281474.2).
Identifiers: ClinVar variation 728022 (VCV000728022.13), dbSNP rs181807989, ClinGen allele CA2190246.

ClinVar aggregate classification (germline): Benign/Likely benign. Review status: criteria provided, multiple submitters, no conflicts (2 of 4 stars). 4 submissions from 4 submitters: Benign (2); Likely benign (1). 1 of the submissions does not count toward it. Last evaluated 2026-01-07.

Conditions:
Griscelli syndrome type 3 (GS3). Identifiers: Orphanet 381, Orphanet 79478, MedGen C1836573, MONDO:0012220, OMIM 609227.
MLPH-related disorder. Also called: MLPH-related condition.

Allele frequency attached by ClinVar (database versions not stated): gnomAD exomes 0.00038 and 0.00183; gnomAD 0.00108 and 0.00109; ExAC 0.00140; TOPMed 0.00161; 1000 Genomes Project 0.00200; 1000 Genomes Project 30x 0.00219.
gnomAD v4.1: 714 of 1,612,760 alleles (0.044%); highest among the groups gnomAD compares: Admixed American, 1.1%; 7 homozygotes.

Submissions (4):

Labcorp Genetics (formerly Invitae), Labcorp
Classification: Benign. Last evaluated: 2026-01-07. Review status: criteria provided, single submitter. Criteria: Invitae Variant Classification Sherloc (09022015). Collection method: clinical testing. Allele origin: germline.

Fulgent Genetics
Classification: Likely benign for Griscelli syndrome type 3. Last evaluated: 2022-04-25. Review status: criteria provided, single submitter. Criteria: ACMG Guidelines, 2015. Collection method: clinical testing. Allele origin: unknown.

Breakthrough Genomics
Classification: Benign. Review status: criteria provided, single submitter. Criteria: ACMG Guidelines, 2015. Collection method: not provided. Allele origin: germline. Inheritance: Autosomal recessive inheritance. Affected: yes.

PreventionGenetics, part of Exact Sciences
Classification: Benign for MLPH-related condition. Last evaluated: 2024-02-01. Review status: no assertion criteria provided. Collection method: clinical testing. Allele origin: germline. Not counted in ClinVar's aggregate classification.
Comment: This variant is classified as benign based on ACMG/AMP sequence variant interpretation guidelines (Richards et al. 2015 PMID: 25741868, with internal and published modifications).